The following is an entry in ClinVar:

ClinVar aggregate classification (germline): Pathogenic (1 of 4 stars; one submission).

Submission:

Labcorp Genetics (formerly Invitae), Labcorp
Classification: Pathogenic. Last evaluated: 2023-12-22. Review status: criteria provided, single submitter. Criteria: Invitae Variant Classification Sherloc (09022015). Collection method: clinical testing. Allele origin: germline.
Comment: This sequence change creates a premature translational stop signal (p.Ala322Profs*62) in the LRP5 gene. It is expected to result in an absent or disrupted protein product. Loss-of-function variants in LRP5 are known to be pathogenic (PMID: 11719191, 16252235, 25711638). This variant is not present in population databases (gnomAD no frequency). This variant has not been reported in the literature in individuals affected with LRP5-related conditions. For these reasons, this variant has been classified as Pathogenic.

Literature cited by the submitters: PubMed 11719191; PubMed 16252235; PubMed 25711638.

NM_002335.4(LRP5):c.964del (p.Ala322fs)

Gene: LRP5 (LDL receptor related protein 5; plus strand). Cytogenetic location: 11q13.2.
Variant type: Deletion.
Coding change: c.964del on transcript NM_002335.4 (MANE Select); coding-DNA position 964, one base deleted (G; older notation c.964delG).
Protein change: p.Ala322fs; shifts the reading frame from alanine 322.
Molecular consequence: frameshift variant. On other transcripts: 5 prime UTR variant (1).
Genome position (GRCh38, 1-based): chr11:68,365,651, G deleted. VCF-style (leftmost placement, unchanged base first): chr11-68365650-CG-C. GRCh37 (hg19) VCF-style: chr11-68133118-CG-C.
Other names: c.-802del (NM_001291902.2); short protein forms A322fs.
Identifiers: ClinVar variation 2704883 (VCV002704883.3), dbSNP rs2496482538, ClinGen allele CA2697548800.